The following is an entry in ClinVar:

NM_001286201.2(RERGL):c.412C>A (p.Gln138Lys)

Gene: RERGL (RERG like; minus strand). Cytogenetic location: 12p12.3.
Variant type: single nucleotide variant.
Coding change: c.412C>A on transcript NM_001286201.2 (MANE Select); coding-DNA position 412, C replaced by A.
Protein change: p.Gln138Lys; replaces glutamine 138 with lysine.
Molecular consequence: missense variant. On other transcripts: non-coding transcript variant (1).
Genome position (GRCh38, 1-based): chr12:18,081,394, G>T on the plus strand (C>A on the coding strand, the complement: RERGL is on the minus strand). VCF-style: chr12-18081394-G-T. GRCh37 (hg19) VCF-style: chr12-18234328-G-T.
Other names: c.415C>A, p.Gln139Lys (NM_024730.4); short protein forms Q139K, Q138K.
Identifiers: ClinVar variation 161770 (VCV000161770.2), dbSNP rs193920908, ClinGen allele CA174752.

ClinVar aggregate classification (germline): Uncertain significance (0 of 4 stars; one submission).

Conditions:
Prostate cancer. Also called: Malignant tumor of prostate. Identifiers: Orphanet 1331, MedGen C0376358, MONDO:0008315, HP:0012125.

Submission:

Science for Life laboratory,  Karolinska Institutet
Classification: Uncertain significance for Malignant tumor of prostate. Review status: no assertion criteria provided. Collection method: not provided. Allele origin: somatic.
Comment: TumorID:SWE-19
ClinVar note: Converted during submission from Unknown to Uncertain significance.